The following is an entry in ClinVar:

ClinVar aggregate classification (germline): Uncertain significance. Review status: criteria provided, multiple submitters, no conflicts (2 of 4 stars). 3 submissions from 3 submitters: Uncertain significance (3). Last evaluated 2023-09-01.

Conditions:
Inborn genetic diseases. Identifiers: MedGen C0950123, MeSH D030342.
Alpha-methylacyl-CoA racemase deficiency (AMACRD). Also called: AMACR deficiency. Identifiers: Orphanet 79095, MedGen C3280428, MONDO:0013681, OMIM 614307. Disease mechanism: loss of function.

Allele frequency attached by ClinVar (database versions not stated): ExAC 0.00001; gnomAD 0.00001.
gnomAD v4.1: 109 of 1,614,018 alleles (0.0068%); highest among the groups gnomAD compares: Non-Finnish European, 0.0088%; no homozygotes.

Submissions (3):

CeGaT Center for Human Genetics Tuebingen
Classification: Uncertain significance. Last evaluated: 2023-09-01. Review status: criteria provided, single submitter. Criteria: CeGaT Center For Human Genetics Tuebingen Variant Classification Criteria Version 2. Collection method: clinical testing. Allele origin: germline. Affected: yes. Observed: 1 variant allele.
Comment: AMACR: PM2, PM3

Labcorp Genetics (formerly Invitae), Labcorp
Classification: Uncertain significance for Alpha-methylacyl-CoA racemase deficiency. Last evaluated: 2022-05-10. Review status: criteria provided, single submitter. Criteria: Invitae Variant Classification Sherloc (09022015). Collection method: clinical testing. Allele origin: germline.
Comment: This sequence change replaces proline, which is neutral and non-polar, with leucine, which is neutral and non-polar, at codon 146 of the AMACR protein (p.Pro146Leu). This variant is present in population databases (rs757917164, gnomAD 0.01%). This variant has not been reported in the literature in individuals affected with AMACR-related conditions. Algorithms developed to predict the effect of missense changes on protein structure and function (SIFT, PolyPhen-2, Align-GVGD) all suggest that this variant is likely to be disruptive. In summary, the available evidence is currently insufficient to determine the role of this variant in disease. Therefore, it has been classified as a Variant of Uncertain Significance.

Ambry Genetics
Classification: Uncertain significance for Inborn genetic diseases. Last evaluated: 2021-03-31. Review status: criteria provided, single submitter. Criteria: Ambry Variant Classification Scheme 2023. Collection method: clinical testing. Allele origin: germline.

NM_014324.6(AMACR):c.437C>T (p.Pro146Leu)

Genes: AMACR (alpha-methylacyl-CoA racemase; minus strand), C1QTNF3-AMACR (C1QTNF3-AMACR readthrough (NMD candidate); minus strand). Cytogenetic location: 5p13.2.
Variant type: single nucleotide variant.
Coding change: c.437C>T on transcript NM_014324.6 (MANE Select); coding-DNA position 437, C replaced by T.
Protein change: p.Pro146Leu; replaces proline 146 with leucine.
Molecular consequence: missense variant. On other transcripts: intron variant (1).
Genome position (GRCh38, 1-based): chr5:34,004,689, G>A on the plus strand (C>T on the coding strand, the complement: AMACR is on the minus strand). VCF-style: chr5-34004689-G-A. GRCh37 (hg19) VCF-style: chr5-34004794-G-A.
Other names: c.437C>T, p.Pro146Leu (NM_001167595.2); c.391+1067C>T (NM_203382.3); c.437C>T (NM_014324.5); short protein forms P146L.
Identifiers: ClinVar variation 2380693 (VCV002380693.29), dbSNP rs757917164, ClinGen allele CA3226202.